The following is an entry in ClinVar:

NM_001374736.1(DST):c.19740+19_19740+59del

Gene: DST (dystonin; minus strand). Cytogenetic location: 6p12.1.
Variant type: Deletion.
Coding change: c.19740+19_19740+59del on transcript NM_001374736.1 (MANE Select); bases 19 to 59 of the intron after coding-DNA position 19740, 41 bases deleted.
Molecular consequence: intron variant.
Genome position (GRCh38, 1-based): chr6:56,501,461-56,501,501, 41 bases deleted. GRCh37 (hg19): chr6:56,366,259-56,366,299.
Other names: c.13383+19_13383+59del (NM_001144769.5); c.19740+19_19740+59del (NM_001374722.1); c.19767+19_19767+59del (NM_001374734.1); c.12969+19_12969+59del (NM_001144770.2); c.12522+19_12522+59del (NM_001374730.1); c.12849+19_12849+59del (NM_001386100.1, NM_183380.4); c.18780+19_18780+59del (NM_001374729.1); c.11871+19_11871+59del (NM_015548.5).
Identifiers: ClinVar variation 1422826 (VCV001422826.5), dbSNP rs1206999136, ClinGen allele CA450490066.

ClinVar aggregate classification (germline): Uncertain significance (1 of 4 stars; one submission).

Conditions:
Epidermolysis bullosa simplex 3, localized or generalized intermediate, with BP230 deficiency (EBS3). Also called: Epidermolysis bullosa simplex due to BP230 deficiency; Epidermolysis bullosa simplex, autosomal recessive 2. Identifiers: Orphanet 412181, MedGen C3809470, MONDO:0014180, OMIM 615425.
Hereditary sensory and autonomic neuropathy type 6. Also called: Neuropathy, hereditary sensory and autonomic, type VI; HSAN VI. Identifiers: Orphanet 314381, MedGen C3539003, MONDO:0013839, OMIM 614653.

Allele frequency attached by ClinVar (database versions not stated): gnomAD 0.00003 and 0.00004; gnomAD exomes 0.00003.

Submission:

Labcorp Genetics (formerly Invitae), Labcorp
Classification: Uncertain significance for Epidermolysis bullosa simplex 3, localized or generalized intermediate, with BP230 deficiency; Hereditary sensory and autonomic neuropathy type 6. Last evaluated: 2022-04-22. Review status: criteria provided, single submitter. Criteria: Invitae Variant Classification Sherloc (09022015). Collection method: clinical testing. Allele origin: germline.
Comment: The DST gene has multiple clinically relevant transcripts. This variant occurs in alternate transcript NM_015548.4, and corresponds to NM_001723.5:c.*114016_*114056del in the primary transcript. This sequence change falls in intron 60 of the DST gene. It does not directly change the encoded amino acid sequence of the DST protein. This variant is present in population databases (no rsID available, gnomAD 0.007%). This variant has not been reported in the literature in individuals affected with DST-related conditions. Experimental studies and prediction algorithms are not available or were not evaluated, and the effect of this variant on mRNA splicing is currently unknown. In summary, the available evidence is currently insufficient to determine the role of this variant in disease. Therefore, it has been classified as a Variant of Uncertain Significance.